The following is an entry in ClinVar:

NM_182931.3(KMT2E):c.1639GAT[1] (p.Asp548del)

Gene: KMT2E (lysine methyltransferase 2E (inactive); plus strand). Cytogenetic location: 7q22.3.
Variant type: Microsatellite.
Coding change: c.1639GAT[1] on transcript NM_182931.3 (MANE Select); one copy of the 3-base unit GAT starting at c.1639; the reference has two copies in a row; one copy, 3 bases deleted.
Protein change: p.Asp548del; deletes aspartic acid 548.
Molecular consequence: inframe deletion. On other transcripts: inframe indel (1).
Genome position (GRCh38, 1-based): chr7:105,091,234-105,091,236, GAT deleted; deleting any 3 consecutive bases within chr7:105,091,230-105,091,236 gives the same sequence; the position shown is the placement nearest the transcript's 3' end. VCF-style (leftmost placement, unchanged base first): chr7-105091229-TTGA-T. GRCh37 (hg19) VCF-style: chr7-104731676-TTGA-T.
Other names: c.1639_1641GAT[1], p.Asp548del (NM_001410908.1); c.1639GAT[1], p.Asp548del (NM_018682.4); short protein forms D548del.
Identifiers: ClinVar variation 1907587 (VCV001907587.5), dbSNP rs766826405, ClinGen allele CA4424046.

ClinVar aggregate classification (germline): Uncertain significance (1 of 4 stars; one submission).

Submission:

Labcorp Genetics (formerly Invitae), Labcorp
Classification: Uncertain significance. Last evaluated: 2024-12-31. Review status: criteria provided, single submitter. Criteria: Invitae Variant Classification Sherloc (09022015). Collection method: clinical testing. Allele origin: germline.
Comment: This variant, c.1642_1644del, results in the deletion of 1 amino acid(s) of the KMT2E protein (p.Asp548del), but otherwise preserves the integrity of the reading frame. This variant is present in population databases (rs766826405, gnomAD 0.04%). This variant has not been reported in the literature in individuals affected with KMT2E-related conditions. Experimental studies and prediction algorithms are not available or were not evaluated, and the functional significance of this variant is currently unknown. In summary, the available evidence is currently insufficient to determine the role of this variant in disease. Therefore, it has been classified as a Variant of Uncertain Significance.